The following is an entry in ClinVar:

NM_014727.3(KMT2B):c.3065C>A (p.Thr1022Lys)

Gene: KMT2B (lysine methyltransferase 2B; plus strand). Cytogenetic location: 19q13.12.
Variant type: single nucleotide variant.
Coding change: c.3065C>A on transcript NM_014727.3 (MANE Select); coding-DNA position 3065, C replaced by A.
Protein change: p.Thr1022Lys; replaces threonine 1022 with lysine.
Molecular consequence: missense variant.
Genome position (GRCh38, 1-based): chr19:35,723,738, C>A. VCF-style: chr19-35723738-C-A. GRCh37 (hg19) VCF-style: chr19-36214639-C-A.
Other names: short protein forms T1022K.
Identifiers: ClinVar variation 2649739 (VCV002649739.24), dbSNP rs765234257, ClinGen allele CA405403534.

ClinVar aggregate classification (germline): Uncertain significance (1 of 4 stars; one submission).

Submission:

CeGaT Center for Human Genetics Tuebingen
Classification: Uncertain significance. Last evaluated: 2023-05-01. Review status: criteria provided, single submitter. Criteria: CeGaT Center For Human Genetics Tuebingen Variant Classification Criteria Version 2. Collection method: clinical testing. Allele origin: germline. Affected: yes. Observed: 1 variant allele.
Comment: KMT2B: PM2